The following is an entry in ClinVar:

ClinVar aggregate classification (germline): Conflicting classifications of pathogenicity. Review status: criteria provided, conflicting classifications (1 of 4 stars). 6 submissions from 6 submitters: Uncertain significance (1); Likely benign (3). 2 of the submissions do not count toward it. Last evaluated 2025-12-23.

Conditions:
CACNA2D4-related disorder. Also called: CACNA2D4-related condition.
Retinal cone dystrophy 4 (RCD4). Identifiers: Orphanet 1872, MedGen C1864849, MONDO:0012507, OMIM 610478.

Allele frequency attached by ClinVar (database versions not stated): TOPMed 0.00028; gnomAD 0.00030 and 0.00016; ExAC 0.00064; 1000 Genomes Project 0.00280; 1000 Genomes Project 30x 0.00281.
gnomAD v4.1: 319 of 1,613,888 alleles (0.02%); highest among the groups gnomAD compares: East Asian, 0.39%; 4 homozygotes.

Submissions (6):

Labcorp Genetics (formerly Invitae), Labcorp
Classification: Likely benign. Last evaluated: 2025-12-23. Review status: criteria provided, single submitter. Criteria: Invitae Variant Classification Sherloc (09022015). Collection method: clinical testing. Allele origin: germline.

Blueprint Genetics
Classification: Likely benign. Last evaluated: 2024-07-12. Review status: criteria provided, single submitter. Criteria: ACMG Guidelines, 2015. Collection method: clinical testing. Allele origin: germline.

Illumina Laboratory Services, Illumina
Classification: Likely benign for Retinal cone dystrophy 4. Last evaluated: 2018-01-13. Review status: criteria provided, single submitter. Criteria: ICSL Variant Classification Criteria 13 December 2019. Collection method: clinical testing. Allele origin: germline.
Comment: This variant was observed in the ICSL laboratory as part of a predisposition screen in an ostensibly healthy population. It had not been previously curated by ICSL or reported in the Human Gene Mutation Database (HGMD: prior to June 1st, 2018), and was therefore a candidate for classification through an automated scoring system. Utilizing variant allele frequency, disease prevalence and penetrance estimates, and inheritance mode, an automated score was calculated to assess if this variant is too frequent to cause the disease. Based on the score and internal cut-off values, a variant classified as likely benign is not then subjected to further curation. The score for this variant resulted in a classification of likely benign for this disease.

Clinical Genetics DNA and cytogenetics Diagnostics Lab, Erasmus MC, Erasmus Medical Center
Classification: Uncertain significance for Retinal cone dystrophy 4. Last evaluated: 2015-04-16. Review status: criteria provided, single submitter. Criteria: ACGS Guidelines, 2013. Collection method: clinical testing. Allele origin: germline. Affected: yes. Study: VKGL Data-share Consensus.

PreventionGenetics, part of Exact Sciences
Classification: Likely benign for CACNA2D4-related condition. Last evaluated: 2023-08-14. Review status: no assertion criteria provided. Collection method: clinical testing. Allele origin: germline. Not counted in ClinVar's aggregate classification.
Comment: This variant is classified as likely benign based on ACMG/AMP sequence variant interpretation guidelines (Richards et al. 2015 PMID: 25741868, with internal and published modifications).

Clinical Genetics, Academic Medical Center
Classification: Uncertain significance. Review status: no assertion criteria provided. Collection method: clinical testing. Allele origin: germline. Affected: yes. Study: VKGL Data-share Consensus. Not counted in ClinVar's aggregate classification.

NM_172364.5(CACNA2D4):c.2516C>T (p.Ala839Val)

Gene: CACNA2D4 (calcium voltage-gated channel auxiliary subunit alpha2delta 4; minus strand). Cytogenetic location: 12p13.33.
Variant type: single nucleotide variant.
Coding change: c.2516C>T on transcript NM_172364.5 (MANE Select); coding-DNA position 2516, C replaced by T.
Protein change: p.Ala839Val; replaces alanine 839 with valine.
Molecular consequence: missense variant.
Genome position (GRCh38, 1-based): chr12:1,840,774, G>A on the plus strand (C>T on the coding strand, the complement: CACNA2D4 is on the minus strand). VCF-style: chr12-1840774-G-A. GRCh37 (hg19) VCF-style: chr12-1949940-G-A.
Other names: short protein forms A839V.
Identifiers: ClinVar variation 522361 (VCV000522361.22), dbSNP rs146752598, ClinGen allele CA6386657.
Genomic context (GRCh38, chr12:1,840,774, plus strand): 5'-TCAACACCACAAGGGCCGTTCCTACCTGCAGCAATGGCTGTCCTCTTGTCCACGGTCACC[G>A]CCACAGCTGTGCTTGCCGTCACCACCATGGGTTCACCCGCACTTTCTGGGGAAACAGAGA-3'
Protein context (NP_758952.4, residues 829-849): PMVVTASTAV[Ala839Val]VTVDKRTAIA